The following is an entry in ClinVar:

ClinVar aggregate classification (germline): Uncertain significance (1 of 4 stars; one submission).

gnomAD v4.1: 4 of 1,545,134 alleles (0.00026%); highest among the groups gnomAD compares: African/African-American, 0.0014%; no homozygotes.

Submission:

Labcorp Genetics (formerly Invitae), Labcorp
Classification: Uncertain significance. Last evaluated: 2022-06-24. Review status: criteria provided, single submitter. Criteria: Invitae Variant Classification Sherloc (09022015). Collection method: clinical testing. Allele origin: germline.
Comment: Algorithms developed to predict the effect of missense changes on protein structure and function (SIFT, PolyPhen-2, Align-GVGD) all suggest that this variant is likely to be tolerated. This variant has not been reported in the literature in individuals affected with SKIV2L-related conditions. This variant is not present in population databases (gnomAD no frequency). This sequence change replaces glycine, which is neutral and non-polar, with alanine, which is neutral and non-polar, at codon 546 of the SKIV2L protein (p.Gly546Ala). In summary, the available evidence is currently insufficient to determine the role of this variant in disease. Therefore, it has been classified as a Variant of Uncertain Significance.

NM_006929.5(SKIC2):c.1637G>C (p.Gly546Ala)

Gene: SKIC2 (SKI2 subunit of superkiller complex; plus strand). Cytogenetic location: 6p21.33.
Variant type: single nucleotide variant.
Coding change: c.1637G>C on transcript NM_006929.5 (MANE Select); coding-DNA position 1637, G replaced by C.
Protein change: p.Gly546Ala; replaces glycine 546 with alanine.
Molecular consequence: missense variant.
Genome position (GRCh38, 1-based): chr6:31,963,723, G>C. VCF-style: chr6-31963723-G-C. GRCh37 (hg19) VCF-style: chr6-31931500-G-C.
Other names: short protein forms G546A.
Identifiers: ClinVar variation 1915896 (VCV001915896.5), dbSNP rs148748996, ClinGen allele CA3729531.